The following is an entry in ClinVar:

NM_001394998.1(TANC2):c.5130C>T (p.Thr1710=)

Gene: TANC2 (tetratricopeptide repeat, ankyrin repeat and coiled-coil containing 2; plus strand). Cytogenetic location: 17q23.3.
Variant type: single nucleotide variant.
Coding change: c.5130C>T on transcript NM_001394998.1 (MANE Select); coding-DNA position 5130, C replaced by T.
Protein change: p.Thr1710=; no amino-acid change (threonine 1710 retained).
Molecular consequence: synonymous variant.
Genome position (GRCh38, 1-based): chr17:63,420,860, C>T. VCF-style: chr17-63420860-C-T. GRCh37 (hg19) VCF-style: chr17-61498221-C-T.
Other names: c.4908C>T, p.Thr1636= (NM_001411076.1); c.4878C>T, p.Thr1626= (NM_025185.4).
Identifiers: ClinVar variation 3770786 (VCV003770786.13).

ClinVar aggregate classification (germline): Likely benign (1 of 4 stars; one submission).

gnomAD v4.1: 11 of 1,613,914 alleles (0.00068%); highest among the groups gnomAD compares: South Asian, 0.0022%; no homozygotes.

Submission:

CeGaT Center for Human Genetics Tuebingen
Classification: Likely benign. Last evaluated: 2025-02-01. Review status: criteria provided, single submitter. Criteria: CeGaT Center For Human Genetics Tuebingen Variant Classification Criteria Version 2. Collection method: clinical testing. Allele origin: germline. Affected: yes. Observed: 1 variant allele.
Comment: TANC2: BP4, BP7